The following is an entry in ClinVar:

ClinVar aggregate classification (germline): Likely benign. Review status: criteria provided, multiple submitters, no conflicts (2 of 4 stars). 2 submissions from 2 submitters: Likely benign (2). Last evaluated 2025-04-04.

Conditions:
FOXP1-related disorder. Also called: FOXP1-related condition.

Allele frequency attached by ClinVar (database versions not stated): TOPMed below 0.00001; gnomAD 0.00001; ExAC 0.00002; gnomAD exomes 0.00002 and 0.00005.
gnomAD v4.1: 72 of 1,613,056 alleles (0.0045%); highest among the groups gnomAD compares: Non-Finnish European, 0.006%; 1 homozygote.

Submissions (3):

PreventionGenetics, part of Exact Sciences
Classification: Likely benign for FOXP1-related condition. Last evaluated: 2025-04-04. Review status: criteria provided, single submitter. Criteria: ACMG Guidelines, 2015. Collection method: clinical testing. Allele origin: germline.
Comment: This variant is classified as likely benign based on ACMG/AMP sequence variant interpretation guidelines (Richards et al. 2015 PMID: 25741868, with internal and published modifications).

Labcorp Genetics (formerly Invitae), Labcorp
Classification: Likely benign. Last evaluated: 2025-02-12. Review status: criteria provided, single submitter. Criteria: Invitae Variant Classification Sherloc (09022015). Collection method: clinical testing. Allele origin: germline.

Dr. Peter K. Rogan Lab, Western University
No classification provided (evidence only). Condition: Malignant tumor of esophagus. Review status: no classification provided. Collection method: in vitro. Allele origin: not applicable. Functional consequence: retained intron. Not counted in ClinVar's aggregate classification.

NM_001349338.3(FOXP1):c.665-7G>T

Gene: FOXP1 (forkhead box P1; minus strand). Cytogenetic location: 3p13.
Variant type: single nucleotide variant.
Coding change: c.665-7G>T on transcript NM_001349338.3 (MANE Select); 7 bases into the intron before coding-DNA position 665, G replaced by T.
Molecular consequence: intron variant.
Genome position (GRCh38, 1-based): chr3:71,041,539, C>A on the plus strand (G>T on the coding strand, the complement: FOXP1 is on the minus strand). VCF-style: chr3-71041539-C-A. GRCh37 (hg19) VCF-style: chr3-71090690-C-A.
Other names: c.665-7G>T (NM_001244810.2, NM_032682.6, NM_001349340.3 and 3 more transcripts); c.662-7G>T (NM_001349341.3); c.437-7G>T (NM_001244812.3); c.362-7G>T (NM_001349343.3, NM_001349337.2, NM_001349344.3); c.365-7G>T (NM_001349342.3, NM_001370548.1, NM_001244815.2 and 1 more transcripts).
Identifiers: ClinVar variation 792333 (VCV000792333.9), dbSNP rs773950156, ClinGen allele CA2491199.